The following is an entry in ClinVar:

ClinVar aggregate classification (germline): Uncertain significance (1 of 4 stars; one submission).

Submission:

Ambry Genetics
Classification: Uncertain significance. Last evaluated: 2025-07-28. Review status: criteria provided, single submitter. Criteria: Ambry Variant Classification Scheme 2023. Collection method: clinical testing. Allele origin: germline.
Comment: The p.C15F variant (also known as c.44G>T), located in coding exon 2 of the RINT1 gene, results from a G to T substitution at nucleotide position 44. The cysteine at codon 15 is replaced by phenylalanine, an amino acid with highly dissimilar properties. This amino acid position is conserved. In addition, this alteration is predicted to be tolerated by in silico analysis. Based on the available evidence, the clinical significance of this variant remains unclear.

NM_021930.6(RINT1):c.44G>T (p.Cys15Phe)

Gene: RINT1 (RAD50 interactor 1; plus strand). Cytogenetic location: 7q22.3.
Variant type: single nucleotide variant.
Coding change: c.44G>T on transcript NM_021930.6 (MANE Select); coding-DNA position 44, G replaced by T.
Protein change: p.Cys15Phe; replaces cysteine 15 with phenylalanine.
Molecular consequence: missense variant. On other transcripts: 5 prime UTR variant (4), non-coding transcript variant (1).
Genome position (GRCh38, 1-based): chr7:105,532,825, G>T. VCF-style: chr7-105532825-G-T. GRCh37 (hg19) VCF-style: chr7-105173272-G-T.
Other names: c.-54G>T (NM_001346599.2); c.-976G>T (NM_001346600.2); c.-879G>T (NM_001346601.2); c.-499G>T (NM_001346603.2); short protein forms C15F.
Identifiers: ClinVar variation 4154609 (VCV004154609.1).
Genomic context (GRCh38, chr7:105,532,825, plus strand): 5'-TATGCTTTCCATCCACGACTTTAATCTTAATGTGCTTGTCACATCTGTTCTTCTTCTAGT[G>T]CTGCTCTGAAAGTGGTGACGAAAGGAAGAACCTCGAGGAGAAAAGTAAGCCAGCTCCAAA-3'
Protein context (NP_068749.3, residues 5-25): GEIGASPAAP[Cys15Phe]CSESGDERKN